The following is an entry in ClinVar:

NM_004369.4(COL6A3):c.9123G>A (p.Thr3041=)

Gene: COL6A3 (collagen type VI alpha 3 chain; minus strand). Cytogenetic location: 2q37.3.
Variant type: single nucleotide variant.
Coding change: c.9123G>A on transcript NM_004369.4 (MANE Select); coding-DNA position 9123, G replaced by A.
Protein change: p.Thr3041=; no amino-acid change (threonine 3041 retained).
Molecular consequence: synonymous variant.
Genome position (GRCh38, 1-based): chr2:237,334,732, C>T on the plus strand (G>A on the coding strand, the complement: COL6A3 is on the minus strand). VCF-style: chr2-237334732-C-T. GRCh37 (hg19) VCF-style: chr2-238243375-C-T.
Other names: p.Thr3041=; c.7302G>A, p.Thr2434= (NM_057166.5); c.8505G>A, p.Thr2835= (NM_057167.4).
Identifiers: ClinVar variation 95016 (VCV000095016.32), dbSNP rs61729843, ClinGen allele CA148092.

ClinVar aggregate classification (germline): Benign. Review status: criteria provided, multiple submitters, no conflicts (2 of 4 stars). 12 submissions from 12 submitters: Benign (8). 4 of the submissions do not count toward it. Last evaluated 2026-02-01.

Conditions:
Collagen 6-related myopathy. Identifiers: MedGen CN117976, MONDO:0100225.
Bethlem myopathy 1A. Also called: Bethlem myopathy 1; Bethlem Muscular Dystrophy; MYOPATHY, BENIGN CONGENITAL, WITH CONTRACTURES. Identifiers: Orphanet 610, MedGen CN029274, MONDO:0024530, OMIM 158810.

Allele frequency attached by ClinVar (database versions not stated): 1000 Genomes Project 0.01198; ESP Exome Variant Server 0.02914; gnomAD 0.02678; 1000 Genomes Project 30x 0.01452; TOPMed 0.02532.
gnomAD v4.1: 56,088 of 1,614,024 alleles (3.5%); highest among the groups gnomAD compares: Non-Finnish European, 4.1%; 1,123 homozygotes.

Submissions (12):

Labcorp Genetics (formerly Invitae), Labcorp
Classification: Benign for Bethlem myopathy 1A. Last evaluated: 2026-02-01. Review status: criteria provided, single submitter. Criteria: Invitae Variant Classification Sherloc (09022015). Collection method: clinical testing. Allele origin: germline.

Athena Diagnostics
Classification: Benign. Last evaluated: 2023-12-12. Review status: criteria provided, single submitter. Criteria: Athena Diagnostics Criteria. Collection method: clinical testing. Allele origin: unknown.

Illumina Laboratory Services, Illumina
Classification: Benign for Collagen VI-related myopathy. Last evaluated: 2018-01-13. Review status: criteria provided, single submitter. Criteria: ICSL Variant Classification Criteria 13 December 2019. Collection method: clinical testing. Allele origin: germline.
Comment: This variant was observed in the ICSL laboratory as part of a predisposition screen in an ostensibly healthy population. It had not been previously curated by ICSL or reported in the Human Gene Mutation Database (HGMD: prior to June 1st, 2018), and was therefore a candidate for classification through an automated scoring system. Utilizing variant allele frequency, disease prevalence and penetrance estimates, and inheritance mode, an automated score was calculated to assess if this variant is too frequent to cause the disease. Based on the score and internal cut-off values, a variant classified as benign is not then subjected to further curation. The score for this variant resulted in a classification of benign for this disease.

Mayo Clinic Laboratories, Mayo Clinic
Classification: Benign. Last evaluated: 2017-12-19. Review status: criteria provided, single submitter. Criteria: ACMG Guidelines, 2015. Collection method: clinical testing. Allele origin: germline. Observed: 42 variant alleles.

GeneDx
Classification: Benign. Last evaluated: 2016-03-03. Review status: criteria provided, single submitter. Criteria: GeneDx Variant Classification (06012015). Collection method: clinical testing. Allele origin: germline. Affected: yes.
Comment: This variant is considered likely benign or benign based on one or more of the following criteria: it is a conservative change, it occurs at a poorly conserved position in the protein, it is predicted to be benign by multiple in silico algorithms, and/or has population frequency not consistent with disease.

Eurofins Ntd Llc (ga)
Classification: Benign. Last evaluated: 2012-11-02. Review status: criteria provided, single submitter. Criteria: EGL Classification Definitions 2015. Collection method: clinical testing. Allele origin: germline. Observed: 5 variant alleles, 5 heterozygotes.

Breakthrough Genomics
Classification: Benign. Review status: criteria provided, single submitter. Criteria: ACMG Guidelines, 2015. Collection method: not provided. Allele origin: germline. Inheritance: Autosomal recessive inheritance. Affected: yes.

PreventionGenetics, part of Exact Sciences
Classification: Benign. Review status: criteria provided, single submitter. Criteria: ACMG Guidelines, 2015. Collection method: clinical testing. Allele origin: germline.

Clinical Genetics, Academic Medical Center
Classification: Benign. Review status: no assertion criteria provided. Collection method: clinical testing. Allele origin: germline. Affected: yes. Study: VKGL Data-share Consensus. Not counted in ClinVar's aggregate classification.

Genetic Services Laboratory, University of Chicago
Classification: Likely benign for AllHighlyPenetrant. Review status: no assertion criteria provided. Collection method: clinical testing. Allele origin: germline. Not counted in ClinVar's aggregate classification.
Comment: Likely benign based on allele frequency in 1000 Genomes Project or ESP global frequency and its presence in a patient with a rare or unrelated disease phenotype. NOT Sanger confirmed.

Joint Genome Diagnostic Labs from Nijmegen and Maastricht, Radboudumc and MUMC+
Classification: Benign. Review status: no assertion criteria provided. Collection method: clinical testing. Allele origin: germline. Affected: yes. Study: VKGL Data-share Consensus. Not counted in ClinVar's aggregate classification.

Laboratory of Diagnostic Genome Analysis, Leiden University Medical Center (LUMC)
Classification: Likely benign. Review status: no assertion criteria provided. Collection method: clinical testing. Allele origin: germline. Affected: yes. Study: VKGL Data-share Consensus. Not counted in ClinVar's aggregate classification.

Literature cited by the submitters: PubMed 20976770 (cited by Athena Diagnostics).